The following is an entry in ClinVar:

ClinVar aggregate classification (germline): Uncertain significance (1 of 4 stars; one submission).

Conditions:
MKS1-related disorder. Also called: MKS1-related disorders; MKS1-related condition. Identifiers: MedGen CN239382.

gnomAD v4.1: 7 of 1,613,464 alleles (0.00043%); highest among the groups gnomAD compares: South Asian, 0.0077%; no homozygotes.

Submission:

PreventionGenetics, part of Exact Sciences
Classification: Uncertain significance for MKS1-related condition. Last evaluated: 2025-03-09. Review status: criteria provided, single submitter. Criteria: ACMG Guidelines, 2015. Collection method: clinical testing. Allele origin: germline.
Comment: The MKS1 c.164C>T variant is predicted to result in the amino acid substitution p.Ala55Val. To our knowledge, this variant has not been reported in the literature. This variant is reported in 0.0098% of alleles in individuals of South Asian descent in gnomAD. At this time, the clinical significance of this variant is uncertain due to the absence of conclusive functional and genetic evidence.

NM_017777.4(MKS1):c.164C>T (p.Ala55Val)

Gene: MKS1 (MKS transition zone complex subunit 1; minus strand). Cytogenetic location: 17q22.
Variant type: single nucleotide variant.
Coding change: c.164C>T on transcript NM_017777.4 (MANE Select); coding-DNA position 164, C replaced by T.
Protein change: p.Ala55Val; replaces alanine 55 with valine.
Molecular consequence: missense variant. On other transcripts: 5 prime UTR variant (1).
Genome position (GRCh38, 1-based): chr17:58,218,646, G>A on the plus strand (C>T on the coding strand, the complement: MKS1 is on the minus strand). VCF-style: chr17-58218646-G-A. GRCh37 (hg19) VCF-style: chr17-56296007-G-A.
Other names: c.-348C>T (NM_001321268.2); c.164C>T, p.Ala55Val (NM_001321269.2, NM_001330397.2, NM_001411113.1); short protein forms A55V.
Identifiers: ClinVar variation 4996881 (VCV004996881.1).